The following is an entry in ClinVar:

NM_001110556.2(FLNA):c.3776A>G (p.Gln1259Arg)

Gene: FLNA (filamin A; minus strand). Cytogenetic location: Xq28.
Variant type: single nucleotide variant.
Coding change: c.3776A>G on transcript NM_001110556.2 (MANE Select); coding-DNA position 3776, A replaced by G.
Protein change: p.Gln1259Arg; replaces glutamine 1259 with arginine.
Molecular consequence: missense variant.
Genome position (GRCh38, 1-based): chrX:154,360,019, T>C on the plus strand (A>G on the coding strand, the complement: FLNA is on the minus strand). VCF-style: chrX-154360019-T-C. GRCh37 (hg19) VCF-style: chrX-153588387-T-C.
Other names: c.3776A>G, p.Gln1259Arg (NM_001456.4); short protein forms Q1259R.
Identifiers: ClinVar variation 1429643 (VCV001429643.8), dbSNP rs2148111919, ClinGen allele CA415222625.
Genomic context (GRCh38, chrX:154,360,019, plus strand): 5'-CCGTCACATACCCCACGGCAGGGCAACTCACCCTGGCCCTCAATACCAGGCCCATAGCAC[T>C]GGACACCGGAAGTGTCCACCGCAGGTTCCACCTGCAGCTTGCTGGGGAAGTTGGGCACGG-3'
Protein context (NP_001104026.1, residues 1249-1269): VEPAVDTSGV[Gln1259Arg]CYGPGIEGQG

ClinVar aggregate classification (germline): Uncertain significance (1 of 4 stars; one submission).

Conditions:
Melnick-Needles syndrome (MNS). Also called: MELNICK-NEEDLES OSTEODYSPLASTY; Melnick-Needles Syndrome (FLNA-MNS); OSTEODYSPLASTY OF MELNICK AND NEEDLES. Identifiers: Orphanet 2484, MedGen C0025237, MONDO:0010650, OMIM 309350.
Frontometaphyseal dysplasia (FMD1). Identifiers: Orphanet 1826, MedGen C0265293, MONDO:0015942.
Heterotopia, periventricular, X-linked dominant (PVNH1). Also called: PERIVENTRICULAR NODULAR HETEROTOPIA 1; X-linked periventricular heterotopia; PERIVENTRICULAR NODULAR HETEROTOPIA 4; HETEROTOPIA, PERIVENTRICULAR, 1. Identifiers: Orphanet 2149, Orphanet 82004, MedGen C1848213, MONDO:0010233, OMIM 300049.
Oto-palato-digital syndrome, type II (OPD2). Also called: FACIOPALATOOSSEOUS SYNDROME; Otopalatodigital Syndrome Type 2 (FLNA-OPD2); OPD II SYNDROME; Otopalatodigital Syndrome, Type II. Identifiers: Orphanet 669, Orphanet 90652, MedGen C1844696, MONDO:0010571, OMIM 304120.

gnomAD v4.1: 6 of 1,210,889 alleles (0.0005%); highest among the groups gnomAD compares: Non-Finnish European, 0.00067%; no homozygotes.

Submission:

Labcorp Genetics (formerly Invitae), Labcorp
Classification: Uncertain significance for Oto-palato-digital syndrome, type II; Heterotopia, periventricular, X-linked dominant; Frontometaphyseal dysplasia; Melnick-Needles syndrome. Last evaluated: 2021-04-02. Review status: criteria provided, single submitter. Criteria: Invitae Variant Classification Sherloc (09022015). Collection method: clinical testing. Allele origin: germline.
Comment: In summary, the available evidence is currently insufficient to determine the role of this variant in disease. Therefore, it has been classified as a Variant of Uncertain Significance. Advanced modeling of protein sequence and biophysical properties (such as structural, functional, and spatial information, amino acid conservation, physicochemical variation, residue mobility, and thermodynamic stability) performed at Invitae indicates that this missense variant is not expected to disrupt FLNA protein function. This variant has not been reported in the literature in individuals with FLNA-related conditions. This variant is not present in population databases (ExAC no frequency). This sequence change replaces glutamine with arginine at codon 1259 of the FLNA protein (p.Gln1259Arg). The glutamine residue is moderately conserved and there is a small physicochemical difference between glutamine and arginine.